The following is an entry in ClinVar:

ClinVar aggregate classification (germline): Uncertain significance (1 of 4 stars; one submission).

Conditions:
Cardiovascular phenotype. Identifiers: MedGen CN230736.

Allele frequency attached by ClinVar (database versions not stated): TOPMed below 0.00001; gnomAD 0.00001.
gnomAD v4.1: 2 of 1,613,422 alleles (0.00012%); highest among the groups gnomAD compares: African/African-American, 0.0027%; no homozygotes.

Submission:

Ambry Genetics
Classification: Uncertain significance for Cardiovascular phenotype. Last evaluated: 2019-02-08. Review status: criteria provided, single submitter. Criteria: Ambry Variant Classification Scheme 2023. Collection method: clinical testing. Allele origin: germline.
Comment: The p.D14788N variant (also known as c.44362G>A), located in coding exon 153 of the TTN gene, results from a G to A substitution at nucleotide position 44362. The aspartic acid at codon 14788 is replaced by asparagine, an amino acid with highly similar properties. This amino acid position is highly conserved in available vertebrate species. In addition, this alteration is predicted to be tolerated by in silico analysis. Since supporting evidence is limited at this time, the clinical significance of this alteration remains unclear.

NM_001267550.2(TTN):c.71557G>A (p.Asp23853Asn)

Genes: TTN (titin; minus strand), TTN-AS1 (TTN antisense RNA 1; plus strand). Cytogenetic location: 2q31.2.
Variant type: single nucleotide variant.
Coding change: c.71557G>A on transcript NM_001267550.2 (MANE Select); coding-DNA position 71557, G replaced by A.
Protein change: p.Asp23853Asn; replaces aspartic acid 23853 with asparagine.
Molecular consequence: missense variant.
Genome position (GRCh38, 1-based): chr2:178,574,575, C>T on the plus strand (G>A on the coding strand, the complement: TTN is on the minus strand). VCF-style: chr2-178574575-C-T. GRCh37 (hg19) VCF-style: chr2-179439302-C-T.
Other names: c.66634G>A, p.Asp22212Asn (NM_001256850.1); c.44362G>A, p.Asp14788Asn (NM_003319.4); c.63853G>A, p.Asp21285Asn (NM_133378.4); c.44737G>A, p.Asp14913Asn (NM_133432.3); c.44938G>A, p.Asp14980Asn (NM_133437.4); short protein forms D14788N, D14913N, D21285N, D22212N, D14980N, D23853N.
Identifiers: ClinVar variation 1740586 (VCV001740586.2), dbSNP rs1387991752, ClinGen allele CA349652711.